The following is an entry in ClinVar:

ClinVar aggregate classification (germline): Uncertain significance. Review status: criteria provided, multiple submitters, no conflicts (2 of 4 stars). 2 submissions from 2 submitters: Uncertain significance (2). Last evaluated 2025-10-10.

Conditions:
Epileptic encephalopathy. Identifiers: MedGen C0543888, HP:0200134.

gnomAD v4.1: 35 of 1,612,512 alleles (0.0022%); highest among the groups gnomAD compares: Non-Finnish European, 0.0018%; no homozygotes.

Submissions (2):

Labcorp Genetics (formerly Invitae), Labcorp
Classification: Uncertain significance for Epileptic encephalopathy. Last evaluated: 2025-10-10. Review status: criteria provided, single submitter. Criteria: Invitae Variant Classification Sherloc (09022015). Collection method: clinical testing. Allele origin: germline.
Comment: This sequence change replaces isoleucine, which is neutral and non-polar, with methionine, which is neutral and non-polar, at codon 1057 of the FASN protein (p.Ile1057Met). This variant is present in population databases (rs774625097, gnomAD 0.007%). This variant has not been reported in the literature in individuals affected with FASN-related conditions. ClinVar contains an entry for this variant (Variation ID: 2487333). An algorithm developed to predict the effect of missense changes on protein structure and function (PolyPhen-2) suggests that this variant is likely to be disruptive. In summary, the available evidence is currently insufficient to determine the role of this variant in disease. Therefore, it has been classified as a Variant of Uncertain Significance.

Ambry Genetics
Classification: Uncertain significance. Last evaluated: 2025-03-10. Review status: criteria provided, single submitter. Criteria: Ambry Variant Classification Scheme 2023. Collection method: clinical testing. Allele origin: germline.

NM_004104.5(FASN):c.3171C>G (p.Ile1057Met)

Gene: FASN (fatty acid synthase; minus strand). Cytogenetic location: 17q25.3.
Variant type: single nucleotide variant.
Coding change: c.3171C>G on transcript NM_004104.5 (MANE Select); coding-DNA position 3171, C replaced by G.
Protein change: p.Ile1057Met; replaces isoleucine 1057 with methionine.
Molecular consequence: missense variant.
Genome position (GRCh38, 1-based): chr17:82,087,377, G>C on the plus strand (C>G on the coding strand, the complement: FASN is on the minus strand). VCF-style: chr17-82087377-G-C. GRCh37 (hg19) VCF-style: chr17-80045253-G-C.
Other names: short protein forms I1057M.
Identifiers: ClinVar variation 2487333 (VCV002487333.6), dbSNP rs774625097, ClinGen allele CA8852493.